The following is an entry in ClinVar:

NM_014714.4(IFT140):c.2318G>A (p.Arg773Gln)

Gene: IFT140 (intraflagellar transport 140; minus strand). Cytogenetic location: 16p13.3.
Variant type: single nucleotide variant.
Coding change: c.2318G>A on transcript NM_014714.4 (MANE Select); coding-DNA position 2318, G replaced by A.
Protein change: p.Arg773Gln; replaces arginine 773 with glutamine.
Molecular consequence: missense variant.
Genome position (GRCh38, 1-based): chr16:1,558,016, C>T on the plus strand (G>A on the coding strand, the complement: IFT140 is on the minus strand). VCF-style: chr16-1558016-C-T. GRCh37 (hg19) VCF-style: chr16-1608017-C-T.
Other names: c.2318G>A (NM_014714.3); short protein forms R773Q.
Identifiers: ClinVar variation 1369169 (VCV001369169.9), dbSNP rs140458893, ClinGen allele CA7813939.

ClinVar aggregate classification (germline): Uncertain significance. Review status: criteria provided, multiple submitters, no conflicts (2 of 4 stars). 3 submissions from 3 submitters: Uncertain significance (3). Last evaluated 2025-05-05.

Conditions:
Saldino-Mainzer syndrome (SRTD9). Also called: CONORENAL SYNDROME; Renal dysplasia, retinal pigmentary dystrophy, cerebellar ataxia and skeletal dysplasia; SHORT-RIB THORACIC DYSPLASIA 9 WITHOUT POLYDACTYLY; short-rib thoracic dysplasia 9 with or without polydactyly. Identifiers: Orphanet 140969, MedGen C1849437, MONDO:0009964, OMIM 266920.
Retinitis pigmentosa 80 (RP80). Identifiers: MedGen C4540439, MONDO:0054708, OMIM 617781.
Inborn genetic diseases. Identifiers: MedGen C0950123, MeSH D030342.

Allele frequency attached by ClinVar (database versions not stated): gnomAD 0.00001; gnomAD exomes 0.00001; TOPMed 0.00001; ExAC 0.00002; ESP Exome Variant Server 0.00008; 1000 Genomes Project 0.00020; 1000 Genomes Project 30x 0.00031.
gnomAD v4.1: 15 of 1,613,984 alleles (0.00093%); highest among the groups gnomAD compares: East Asian, 0.0067%; no homozygotes.

Submissions (3):

Ambry Genetics
Classification: Uncertain significance for Inborn genetic diseases. Last evaluated: 2025-05-05. Review status: criteria provided, single submitter. Criteria: Ambry Variant Classification Scheme 2023. Collection method: clinical testing. Allele origin: germline.

Fulgent Genetics
Classification: Uncertain significance for Saldino-Mainzer syndrome; Retinitis pigmentosa 80. Last evaluated: 2024-04-09. Review status: criteria provided, single submitter. Criteria: ACMG Guidelines, 2015. Collection method: clinical testing. Allele origin: germline.

Labcorp Genetics (formerly Invitae), Labcorp
Classification: Uncertain significance for Saldino-Mainzer syndrome. Last evaluated: 2021-12-02. Review status: criteria provided, single submitter. Criteria: Invitae Variant Classification Sherloc (09022015). Collection method: clinical testing. Allele origin: germline.
Comment: This variant has not been reported in the literature in individuals affected with IFT140-related conditions. This variant is present in population databases (rs140458893, gnomAD 0.007%). This sequence change replaces arginine, which is basic and polar, with glutamine, which is neutral and polar, at codon 773 of the IFT140 protein (p.Arg773Gln). Algorithms developed to predict the effect of missense changes on protein structure and function output the following: SIFT: "Tolerated"; PolyPhen-2: "Benign"; Align-GVGD: "Class C0". The glutamine amino acid residue is found in multiple mammalian species, which suggests that this missense change does not adversely affect protein function. In summary, the available evidence is currently insufficient to determine the role of this variant in disease. Therefore, it has been classified as a Variant of Uncertain Significance.